The following is an entry in ClinVar:

ClinVar aggregate classification (germline): Uncertain significance (1 of 4 stars; one submission).

Conditions:
Inborn genetic diseases. Identifiers: MedGen C0950123, MeSH D030342.

Submission:

Ambry Genetics
Classification: Uncertain significance for Inborn genetic diseases. Last evaluated: 2025-10-11. Review status: criteria provided, single submitter. Criteria: Ambry Variant Classification Scheme 2023. Collection method: clinical testing. Allele origin: germline.
Comment: The p.C484S variant (also known as c.1451G>C), located in coding exon 4 of the SMAD6 gene, results from a G to C substitution at nucleotide position 1451. The cysteine at codon 484 is replaced by serine, an amino acid with dissimilar properties. This amino acid position is conserved. In addition, this alteration is predicted to be deleterious by in silico analysis. Based on the available evidence, the clinical significance of this variant remains unclear.

NM_005585.5(SMAD6):c.1451G>C (p.Cys484Ser)

Gene: SMAD6 (SMAD family member 6; plus strand). Cytogenetic location: 15q22.31.
Variant type: single nucleotide variant.
Coding change: c.1451G>C on transcript NM_005585.5 (MANE Select); coding-DNA position 1451, G replaced by C.
Protein change: p.Cys484Ser; replaces cysteine 484 with serine.
Molecular consequence: missense variant. On other transcripts: non-coding transcript variant (1).
Genome position (GRCh38, 1-based): chr15:66,781,495, G>C. VCF-style: chr15-66781495-G-C. GRCh37 (hg19) VCF-style: chr15-67073833-G-C.
Other names: short protein forms C484S.
Identifiers: ClinVar variation 4631599 (VCV004631599.1).